The following is an entry in ClinVar:

ClinVar aggregate classification (germline): Uncertain significance (1 of 4 stars; one submission).

gnomAD v4.1: 2 of 1,612,638 alleles (0.00012%); highest among the groups gnomAD compares: Admixed American, 0.0033%; no homozygotes.

Submission:

Labcorp Genetics (formerly Invitae), Labcorp
Classification: Uncertain significance. Last evaluated: 2024-08-29. Review status: criteria provided, single submitter. Criteria: Invitae Variant Classification Sherloc (09022015). Collection method: clinical testing. Allele origin: germline.
Comment: This sequence change replaces glycine, which is neutral and non-polar, with serine, which is neutral and polar, at codon 2318 of the HMCN1 protein (p.Gly2318Ser). This variant is not present in population databases (gnomAD no frequency). This variant has not been reported in the literature in individuals affected with HMCN1-related conditions. An algorithm developed to predict the effect of missense changes on protein structure and function (PolyPhen-2) suggests that this variant is likely to be disruptive. In summary, the available evidence is currently insufficient to determine the role of this variant in disease. Therefore, it has been classified as a Variant of Uncertain Significance.

NM_031935.3(HMCN1):c.6952G>A (p.Gly2318Ser)

Gene: HMCN1 (hemicentin 1; plus strand). Cytogenetic location: 1q31.1.
Variant type: single nucleotide variant.
Coding change: c.6952G>A on transcript NM_031935.3 (MANE Select); coding-DNA position 6952, G replaced by A.
Protein change: p.Gly2318Ser; replaces glycine 2318 with serine.
Molecular consequence: missense variant.
Genome position (GRCh38, 1-based): chr1:186,055,482, G>A. VCF-style: chr1-186055482-G-A. GRCh37 (hg19) VCF-style: chr1-186024614-G-A.
Other names: short protein forms G2318S.
Identifiers: ClinVar variation 3674632 (VCV003674632.2).
Genomic context (GRCh38, chr1:186,055,482, plus strand): 5'-CACCCTACTGAAATTATTGTGACCCGAGGGAAGAGTATCTCCTTGGAGTGTGAGGTGCAG[G>A]GTATTCCACCACCAACAGTGACCTGGATGAAAGATGGCCACCCCTTGATCAAGGCAAAGG-3'
Protein context (NP_114141.2, residues 2308-2328): KSISLECEVQ[Gly2318Ser]IPPPTVTWMK